The following is an entry in ClinVar:

ClinVar aggregate classification (germline): Uncertain significance (1 of 4 stars; one submission).

Conditions:
Dyskeratosis congenita. Identifiers: Orphanet 1775, MedGen C0265965, MONDO:0015780.

Allele frequency attached by ClinVar (database versions not stated): gnomAD exomes below 0.00001; TOPMed below 0.00001.

Submission:

Labcorp Genetics (formerly Invitae), Labcorp
Classification: Uncertain significance for Dyskeratosis congenita. Last evaluated: 2019-03-08. Review status: criteria provided, single submitter. Criteria: Invitae Variant Classification Sherloc (09022015). Collection method: clinical testing. Allele origin: germline.
Comment: This sequence change replaces alanine with valine at codon 310 of the TINF2 protein (p.Ala310Val). The alanine residue is weakly conserved and there is a small physicochemical difference between alanine and valine. This variant is not present in population databases (ExAC no frequency). This variant has not been reported in the literature in individuals with TINF2-related conditions. Algorithms developed to predict the effect of missense changes on protein structure and function are either unavailable or do not agree on the potential impact of this missense change (SIFT: "Tolerated"; PolyPhen-2: "Possibly Damaging"; Align-GVGD: "Class C0"). In summary, the available evidence is currently insufficient to determine the role of this variant in disease. Therefore, it has been classified as a Variant of Uncertain Significance.

NM_001099274.3(TINF2):c.929C>T (p.Ala310Val)

Gene: TINF2 (TERF1 interacting nuclear factor 2; minus strand). Cytogenetic location: 14q12.
Variant type: single nucleotide variant.
Coding change: c.929C>T on transcript NM_001099274.3 (MANE Select); coding-DNA position 929, C replaced by T.
Protein change: p.Ala310Val; replaces alanine 310 with valine.
Molecular consequence: missense variant.
Genome position (GRCh38, 1-based): chr14:24,240,551, G>A on the plus strand (C>T on the coding strand, the complement: TINF2 is on the minus strand). VCF-style: chr14-24240551-G-A. GRCh37 (hg19) VCF-style: chr14-24709757-G-A.
Other names: c.824C>T, p.Ala275Val (NM_001363668.2); c.929C>T, p.Ala310Val (NM_012461.3); short protein forms A275V, A310V.
Identifiers: ClinVar variation 854428 (VCV000854428.1), dbSNP rs2040550859, ClinGen allele CA389224592.